The following is an entry in ClinVar:

ClinVar aggregate classification (germline): Uncertain significance (1 of 4 stars; one submission).

Submission:

CeGaT Center for Human Genetics Tuebingen
Classification: Uncertain significance. Last evaluated: 2025-02-01. Review status: criteria provided, single submitter. Criteria: CeGaT Center For Human Genetics Tuebingen Variant Classification Criteria Version 2. Collection method: clinical testing. Allele origin: germline. Affected: yes. Observed: 1 variant allele.
Comment: CACNA1C: PM2, PP2, PP3

NM_000719.7(CACNA1C):c.2216G>T (p.Cys739Phe)

Gene: CACNA1C (calcium voltage-gated channel subunit alpha1 C; plus strand). Cytogenetic location: 12p13.33.
Variant type: single nucleotide variant.
Coding change: c.2216G>T on transcript NM_000719.7 (MANE Select); coding-DNA position 2216, G replaced by T.
Protein change: p.Cys739Phe; replaces cysteine 739 with phenylalanine.
Molecular consequence: missense variant.
Genome position (GRCh38, 1-based): chr12:2,582,934, G>T. VCF-style: chr12-2582934-G-T. GRCh37 (hg19) VCF-style: chr12-2692100-G-T.
Other names: c.2216G>T, p.Cys739Phe (NM_001129837.2, NM_001129838.2, NM_001129839.2 and 18 more transcripts); c.2207G>T, p.Cys736Phe (NM_001129844.2); short protein forms C736F, C739F.
Identifiers: ClinVar variation 3778402 (VCV003778402.7).